The following is an entry in ClinVar:

NM_002439.5(MSH3):c.524T>G (p.Leu175Arg)

Gene: MSH3 (mutS homolog 3; plus strand). Cytogenetic location: 5q14.1.
Variant type: single nucleotide variant.
Coding change: c.524T>G on transcript NM_002439.5 (MANE Select); coding-DNA position 524, T replaced by G.
Protein change: p.Leu175Arg; replaces leucine 175 with arginine.
Molecular consequence: missense variant.
Genome position (GRCh38, 1-based): chr5:80,665,308, T>G. VCF-style: chr5-80665308-T-G. GRCh37 (hg19) VCF-style: chr5-79961127-T-G.
Other names: short protein forms L175R.
Identifiers: ClinVar variation 1746358 (VCV001746358.7), dbSNP rs753594929, ClinGen allele CA3327618.

ClinVar aggregate classification (germline): Uncertain significance. Review status: criteria provided, multiple submitters, no conflicts (2 of 4 stars). 3 submissions from 3 submitters: Uncertain significance (3). Last evaluated 2024-10-11.

Conditions:
Hereditary cancer-predisposing syndrome. Also called: Hereditary Cancer Syndrome; Neoplastic Syndromes, Hereditary; Tumor predisposition; Hereditary neoplastic syndrome. Identifiers: Orphanet 140162, MedGen C0027672, MeSH D009386, MONDO:0015356.
Endometrial carcinoma. Also called: Endometrial carcinoma, somatic. Identifiers: MedGen C0476089, MONDO:0002447, OMIM 608089, HP:0012114.

Allele frequency attached by ClinVar (database versions not stated): gnomAD exomes below 0.00001; TOPMed below 0.00001; ExAC 0.00001.
gnomAD v4.1: 1 of 1,613,742 alleles (0.000062%); highest among the groups gnomAD compares: African/African-American, 0.0013%; no homozygotes.

Submissions (3):

Ambry Genetics
Classification: Uncertain significance for Hereditary cancer-predisposing syndrome. Last evaluated: 2024-10-11. Review status: criteria provided, single submitter. Criteria: Ambry Variant Classification Scheme 2023. Collection method: clinical testing. Allele origin: germline.
Comment: The p.L175R variant (also known as c.524T>G), located in coding exon 3 of the MSH3 gene, results from a T to G substitution at nucleotide position 524. The leucine at codon 175 is replaced by arginine, an amino acid with dissimilar properties. This amino acid position is conserved. In addition, this alteration is predicted to be tolerated by in silico analysis. Since supporting evidence is limited at this time, the clinical significance of this alteration remains unclear.

Baylor Genetics
Classification: Uncertain significance for Endometrial carcinoma. Last evaluated: 2024-02-03. Review status: criteria provided, single submitter. Criteria: ACMG Guidelines, 2015. Collection method: clinical testing. Allele origin: unknown.

Labcorp Genetics (formerly Invitae), Labcorp
Classification: Uncertain significance. Last evaluated: 2022-12-19. Review status: criteria provided, single submitter. Criteria: Invitae Variant Classification Sherloc (09022015). Collection method: clinical testing. Allele origin: germline.
Comment: This sequence change replaces leucine, which is neutral and non-polar, with arginine, which is basic and polar, at codon 175 of the MSH3 protein (p.Leu175Arg). In summary, the available evidence is currently insufficient to determine the role of this variant in disease. Therefore, it has been classified as a Variant of Uncertain Significance. Algorithms developed to predict the effect of missense changes on protein structure and function (SIFT, PolyPhen-2, Align-GVGD) all suggest that this variant is likely to be tolerated. ClinVar contains an entry for this variant (Variation ID: 1746358). This variant has not been reported in the literature in individuals affected with MSH3-related conditions. This variant is present in population databases (rs753594929, gnomAD 0.007%).